The following is an entry in ClinVar:

ClinVar aggregate classification (germline): Uncertain significance (1 of 4 stars; one submission).

gnomAD v4.1: 1 of 1,567,140 alleles (0.000064%); highest among the groups gnomAD compares: Non-Finnish European, 0.000087%; no homozygotes.

Submission:

GeneDx
Classification: Uncertain significance. Last evaluated: 2024-04-21. Review status: criteria provided, single submitter. Criteria: GeneDx Variant Classification Process June 2021. Collection method: clinical testing. Allele origin: germline. Affected: yes.
Comment: Not observed at significant frequency in large population cohorts (gnomAD); In silico analysis supports that this missense variant has a deleterious effect on protein structure/function; Has not been previously published as pathogenic or benign to our knowledge

NM_013450.4(BAZ2B):c.2889A>C (p.Gln963His)

Gene: BAZ2B (bromodomain adjacent to zinc finger domain 2B; minus strand). Cytogenetic location: 2q24.2.
Variant type: single nucleotide variant.
Coding change: c.2889A>C on transcript NM_013450.4 (MANE Select); coding-DNA position 2889, A replaced by C.
Protein change: p.Gln963His; replaces glutamine 963 with histidine.
Molecular consequence: missense variant.
Genome position (GRCh38, 1-based): chr2:159,400,608, T>G on the plus strand (A>C on the coding strand, the complement: BAZ2B is on the minus strand). VCF-style: chr2-159400608-T-G. GRCh37 (hg19) VCF-style: chr2-160257119-T-G.
Other names: c.2781A>C, p.Gln927His (NM_001289975.1); c.2700A>C, p.Gln900His (NM_001329857.2); c.2787A>C, p.Gln929His (NM_001329858.2); short protein forms Q900H, Q927H, Q929H, Q963H.
Identifiers: ClinVar variation 3372268 (VCV003372268.1).
Genomic context (GRCh38, chr2:159,400,608, plus strand): 5'-TAAAAATATATGGCTAAATTACTTTAATTATATTAAATTTAAGACTTCTACCTCTAGAAT[T>G]TGCTGAGCTCGAAGTTCTTTTTCCATTCTGATTTGCTGTATTCTCTTAATTTTTTCCTGT-3'
Protein context (NP_038478.2, residues 953-973): IRMEKELRAQ[Gln963His]ILEAKKKKKE